The following is an entry in ClinVar:

ClinVar aggregate classification (germline): Uncertain significance (1 of 4 stars; one submission).

Conditions:
Hypertrophic cardiomyopathy 25 (CMH25). Also called: CARDIOMYOPATHY, FAMILIAL HYPERTROPHIC, 25. Identifiers: MedGen C4225408, MONDO:0011843, OMIM 607487.
Primary familial hypertrophic cardiomyopathy (HCM). Identifiers: Orphanet 99739, MedGen C0949658, MeSH D024741, MONDO:0024573. Inheritance: Various modes of inheritance.

Submission:

Labcorp Genetics (formerly Invitae), Labcorp
Classification: Uncertain significance for Hypertrophic cardiomyopathy 25; Primary familial hypertrophic cardiomyopathy. Last evaluated: 2025-07-06. Review status: criteria provided, single submitter. Criteria: Invitae Variant Classification Sherloc (09022015). Collection method: clinical testing. Allele origin: germline.
Comment: This variant occurs in a non-coding region of the TCAP gene. It does not change the encoded amino acid sequence of the TCAP protein. This variant is not present in population databases (gnomAD no frequency). This variant has not been reported in the literature in individuals affected with TCAP-related conditions. Experimental studies and prediction algorithms are not available or were not evaluated, and the functional significance of this variant is currently unknown. In summary, the available evidence is currently insufficient to determine the role of this variant in disease. Therefore, it has been classified as a Variant of Uncertain Significance.

NM_003673.4(TCAP):c.504AG[1] (p.Ter168=)

Gene: TCAP (titin-cap; plus strand). Cytogenetic location: 17q12.
Variant type: Microsatellite.
Coding change: c.504AG[1] on transcript NM_003673.4 (MANE Select); one copy of the 2-base unit AG starting at c.504; the reference has two copies in a row; one copy, 2 bases deleted.
Protein change: p.Ter168=.
Molecular consequence: no sequence alteration.
Genome position (GRCh38, 1-based): chr17:39,666,111-39,666,112, AG deleted; deleting any 2 consecutive bases within chr17:39,666,108-39,666,112 gives the same sequence; the position shown is the placement nearest the transcript's 3' end. VCF-style (leftmost placement, unchanged base first): chr17-39666107-TGA-T. GRCh37 (hg19) VCF-style: chr17-37822360-TGA-T.
Identifiers: ClinVar variation 1046017 (VCV001046017.7), dbSNP rs2057253961, ClinGen allele CA2259200921.
Genomic context (GRCh38, chr17:39,666,107, plus strand): 5'-AAGCCCGGTGCACTTCGTCGCTCCCTGTCCCGCTCCATGTCCCAGGAAGCACAGAGAGGC[TGA>T]GAGGGACTGTGACTTGGGCTCCGCTGTGCCCGCCCTGGGCTGGGCCCTTCCTGGCTAGGA-3'